The following is an entry in ClinVar:

ClinVar aggregate classification (germline): Pathogenic (1 of 4 stars; one submission).

Conditions:
Spastic paraplegia. Identifiers: MedGen C0037772, HP:0001258.

Submission:

Labcorp Genetics (formerly Invitae), Labcorp
Classification: Pathogenic for Spastic paraplegia. Last evaluated: 2025-07-13. Review status: criteria provided, single submitter. Criteria: Invitae Variant Classification Sherloc (09022015). Collection method: clinical testing. Allele origin: germline.
Comment: This sequence change creates a premature translational stop signal (p.Arg371Profs*11) in the SLC16A2 gene. It is expected to result in an absent or disrupted protein product. Loss-of-function variants in SLC16A2 are known to be pathogenic (PMID: 20083155, 25527620). This variant is not present in population databases (gnomAD no frequency). This variant has not been reported in the literature in individuals affected with SLC16A2-related conditions. For these reasons, this variant has been classified as Pathogenic.

Literature cited by the submitters: PubMed 20083155; PubMed 25527620.

NM_006517.5(SLC16A2):c.1105_1111dup (p.Arg371fs)

Gene: SLC16A2 (solute carrier family 16 member 2; plus strand). Cytogenetic location: Xq13.2.
Variant type: Duplication.
Coding change: c.1105_1111dup on transcript NM_006517.5 (MANE Select); coding-DNA positions 1105 to 1111, 7 bases duplicated (CTTGGGC; older notation c.1105_1111dupCTTGGGC).
Protein change: p.Arg371fs; shifts the reading frame from arginine 371.
Molecular consequence: frameshift variant.
Genome position (GRCh38, 1-based): chrX:74,525,828-74,525,834, CTTGGGC duplicated; duplicating any 7 consecutive bases within chrX:74,525,825-74,525,834 gives the same sequence; the c. name uses the placement nearest the transcript's 3' end. VCF-style (leftmost placement, unchanged base first): chrX-74525824-A-AGGCCTTG. GRCh37 (hg19) VCF-style: chrX-73745659-A-AGGCCTTG.
Other names: short protein forms R371fs.
Identifiers: ClinVar variation 4718592 (VCV004718592.1).